The following is an entry in ClinVar:

ClinVar aggregate classification (germline): Uncertain significance. Review status: criteria provided, multiple submitters, no conflicts (2 of 4 stars). 2 submissions from 2 submitters: Uncertain significance (2). Last evaluated 2022-10-03.

Conditions:
Hereditary cancer-predisposing syndrome. Also called: Neoplastic Syndromes, Hereditary; Tumor predisposition; Hereditary Cancer Syndrome; Hereditary neoplastic syndrome. Identifiers: Orphanet 140162, MedGen C0027672, MeSH D009386, MONDO:0015356.
Bloom syndrome (BLM). Also called: Bloom-Torre-Machacek syndrome. Identifiers: Orphanet 125, MedGen C0005859, MONDO:0008876, OMIM 210900.

Submissions (2):

Labcorp Genetics (formerly Invitae), Labcorp
Classification: Uncertain significance for Bloom syndrome. Last evaluated: 2022-10-03. Review status: criteria provided, single submitter. Criteria: Invitae Variant Classification Sherloc (09022015). Collection method: clinical testing. Allele origin: germline.
Comment: This variant, c.1582_1583insTTG, is a complex sequence change that results in the deletion of 1 and insertion of 2 amino acid(s) in the BLM protein (p.Thr528delinsIleAla). This variant is not present in population databases (gnomAD no frequency). This variant has not been reported in the literature in individuals affected with BLM-related conditions. Experimental studies and prediction algorithms are not available or were not evaluated, and the functional significance of this variant is currently unknown. In summary, the available evidence is currently insufficient to determine the role of this variant in disease. Therefore, it has been classified as a Variant of Uncertain Significance.

Ambry Genetics
Classification: Uncertain significance for Hereditary cancer-predisposing syndrome. Last evaluated: 2021-09-17. Review status: criteria provided, single submitter. Criteria: Ambry Variant Classification Scheme 2023. Collection method: clinical testing. Allele origin: germline.
Comment: The c.1582_1583insTTG variant (also known as p.T528delinsIA), located in coding exon 6 of the BLM gene, results from an in-frame TTG insertion at nucleotide positions 1582 to 1583. The threonine at codon 528 is replaced by isoleucine and alanine. In addition, the in silico prediction for this alteration is inconclusive (Choi Y et al. PLoS ONE. 2012; 7(10):e46688). Since supporting evidence is limited at this time, the clinical significance of this alteration remains unclear.

NM_000057.4(BLM):c.1582_1583insTTG (p.Thr528delinsIleAla)

Gene: BLM (BLM RecQ like helicase; plus strand). Cytogenetic location: 15q26.1.
Variant type: Insertion.
Coding change: c.1582_1583insTTG on transcript NM_000057.4 (MANE Select); coding-DNA positions 1582 to 1583, TTG inserted.
Protein change: p.Thr528delinsIleAla.
Molecular consequence: inframe indel.
Genome position: GRCh38 VCF-style: chr15-90760955-A-ATTG. GRCh37 (hg19) VCF-style: chr15-91304185-A-ATTG.
Other names: c.1582_1583insTTG, p.Thr528delinsIleAla (NM_001287246.2, NM_001287247.2); c.457_458insTTG, p.Thr153delinsIleAla (NM_001287248.2).
Identifiers: ClinVar variation 1775725 (VCV001775725.7), dbSNP rs2505427239, ClinGen allele CA2580090385.